The following is an entry in ClinVar:

NM_000718.4(CACNA1B):c.2980_2982del (p.Lys994del)

Gene: CACNA1B (calcium voltage-gated channel subunit alpha1 B; plus strand). Cytogenetic location: 9q34.3.
Variant type: Deletion.
Coding change: c.2980_2982del on transcript NM_000718.4 (MANE Select); coding-DNA positions 2980 to 2982, 3 bases deleted (AAG; older notation c.2980_2982delAAG).
Protein change: p.Lys994del; deletes lysine 994.
Molecular consequence: inframe deletion.
Genome position (GRCh38, 1-based): chr9:138,023,723-138,023,725, AAG deleted; deleting any 3 consecutive bases within chr9:138,023,721-138,023,725 gives the same sequence; the c. name uses the placement nearest the transcript's 3' end. VCF-style (leftmost placement, unchanged base first): chr9-138023720-GAGA-G. GRCh37 (hg19) VCF-style: chr9-140918172-GAGA-G.
Other names: c.2980_2982del, p.Lys994del (NM_001243812.2); short protein forms K994del.
Identifiers: ClinVar variation 2988483 (VCV002988483.2), dbSNP rs1564243904, ClinGen allele CA591376253.

ClinVar aggregate classification (germline): Uncertain significance (1 of 4 stars; one submission).

Submission:

Labcorp Genetics (formerly Invitae), Labcorp
Classification: Uncertain significance. Last evaluated: 2023-02-24. Review status: criteria provided, single submitter. Criteria: Invitae Variant Classification Sherloc (09022015). Collection method: clinical testing. Allele origin: germline.
Comment: This variant, c.2980_2982del, results in the deletion of 1 amino acid(s) of the CACNA1B protein (p.Lys994del), but otherwise preserves the integrity of the reading frame. In summary, the available evidence is currently insufficient to determine the role of this variant in disease. Therefore, it has been classified as a Variant of Uncertain Significance. Experimental studies and prediction algorithms are not available or were not evaluated, and the functional significance of this variant is currently unknown. This variant has not been reported in the literature in individuals affected with CACNA1B-related conditions. This variant is present in population databases (no rsID available, gnomAD 0.004%).